The following is an entry in ClinVar:

ClinVar aggregate classification (germline): Uncertain significance (1 of 4 stars; one submission).

Allele frequency attached by ClinVar (database versions not stated): TOPMed 0.00001; gnomAD 0.00002.
gnomAD v4.1: 2 of 1,209,522 alleles (0.00017%); highest among the groups gnomAD compares: Non-Finnish European, 0.00022%; no homozygotes.

Submission:

Labcorp Genetics (formerly Invitae), Labcorp
Classification: Uncertain significance. Last evaluated: 2023-01-08. Review status: criteria provided, single submitter. Criteria: Invitae Variant Classification Sherloc (09022015). Collection method: clinical testing. Allele origin: germline.
Comment: This variant has not been reported in the literature in individuals affected with RBM10-related conditions. The frequency data for this variant in the population databases is considered unreliable, as metrics indicate poor data quality at this position in the gnomAD database. This sequence change replaces serine, which is neutral and polar, with leucine, which is neutral and non-polar, at codon 633 of the RBM10 protein (p.Ser633Leu). Advanced modeling of protein sequence and biophysical properties (such as structural, functional, and spatial information, amino acid conservation, physicochemical variation, residue mobility, and thermodynamic stability) performed at Invitae indicates that this missense variant is not expected to disrupt RBM10 protein function. In summary, the available evidence is currently insufficient to determine the role of this variant in disease. Therefore, it has been classified as a Variant of Uncertain Significance.

NM_005676.5(RBM10):c.1898C>T (p.Ser633Leu)

Gene: RBM10 (RNA binding motif protein 10; plus strand). Cytogenetic location: Xp11.3.
Variant type: single nucleotide variant.
Coding change: c.1898C>T on transcript NM_005676.5 (MANE Select); coding-DNA position 1898, C replaced by T.
Protein change: p.Ser633Leu; replaces serine 633 with leucine.
Molecular consequence: missense variant.
Genome position (GRCh38, 1-based): chrX:47,182,274, C>T. VCF-style: chrX-47182274-C-T. GRCh37 (hg19) VCF-style: chrX-47041673-C-T.
Other names: c.1667C>T, p.Ser556Leu (NM_001204466.2); c.1895C>T, p.Ser632Leu (NM_001204467.2); c.2093C>T, p.Ser698Leu (NM_001204468.2); c.1664C>T, p.Ser555Leu (NM_152856.3); short protein forms S555L, S632L, S556L, S633L, S698L.
Identifiers: ClinVar variation 2800334 (VCV002800334.3), dbSNP rs1556780280, ClinGen allele CA412804080.
Genomic context (GRCh38, chrX:47,182,274, plus strand): 5'-GGACCTATGTTCCCGCCCTGGAGCAGTCGGCCGACGGACATAAGGAGACAGGGGCACCCT[C>T]GAAGGAGGGCAAAGAGAAGAAGGAGAAGCACAAGACCAAGACAGCTCAACAGGTGAACAC-3'
Protein context (NP_005667.2, residues 623-643): ADGHKETGAP[Ser633Leu]KEGKEKKEKH